The following is an entry in ClinVar:

ClinVar aggregate classification (germline): Uncertain significance (1 of 4 stars; one submission).

Conditions:
Neuroblastoma, susceptibility to, 3. Also called: ALK-Related Neuroblastic Tumor Susceptibility. Identifiers: Orphanet 635, MedGen C2751681, MONDO:0013083, OMIM 613014.

Submission:

Labcorp Genetics (formerly Invitae), Labcorp
Classification: Uncertain significance for Neuroblastoma, susceptibility to, 3. Last evaluated: 2025-11-11. Review status: criteria provided, single submitter. Criteria: Invitae Variant Classification Sherloc (09022015). Collection method: clinical testing. Allele origin: germline.
Comment: This sequence change replaces glycine, which is neutral and non-polar, with aspartic acid, which is acidic and polar, at codon 1508 of the ALK protein (p.Gly1508Asp). Information on the frequency of this variant in the gnomAD database is not available, as this variant may be reported differently in the database. This variant has not been reported in the literature in individuals affected with ALK-related conditions. An algorithm developed to predict the effect of missense changes on protein structure and function (PolyPhen-2) suggests that this variant is likely to be disruptive. In summary, the available evidence is currently insufficient to determine the role of this variant in disease. Therefore, it has been classified as a Variant of Uncertain Significance.

NM_004304.5(ALK):c.4523_4524delinsAT (p.Gly1508Asp)

Gene: ALK (ALK receptor tyrosine kinase; minus strand). Cytogenetic location: 2p23.2.
Variant type: Indel.
Coding change: c.4523_4524delinsAT on transcript NM_004304.5 (MANE Select); coding-DNA positions 4523 to 4524, GC replaced by AT.
Protein change: p.Gly1508Asp; replaces glycine 1508 with aspartic acid.
Molecular consequence: missense variant.
Genome position (GRCh38, 1-based): chr2:29,193,563-29,193,564, GC replaced by AT on the plus strand (GC replaced by AT on the coding strand, the reverse complement: ALK is on the minus strand). VCF-style: chr2-29193563-GC-AT. GRCh37 (hg19) VCF-style: chr2-29416429-GC-AT.
Other names: c.1319_1320delinsAT, p.Gly440Asp (NM_001353765.2); short protein forms G1508D, G440D.
Identifiers: ClinVar variation 4806152 (VCV004806152.1).